The following is an entry in ClinVar:

ClinVar aggregate classification (germline): Benign/Likely benign. Review status: criteria provided, multiple submitters, no conflicts (2 of 4 stars). 7 submissions from 7 submitters: Benign (1); Likely benign (6). Last evaluated 2026-01-05.

Conditions:
Inborn genetic diseases. Identifiers: MedGen C0950123, MeSH D030342.
Charcot-Marie-Tooth disease axonal type 2O. Also called: CHARCOT-MARIE-TOOTH NEUROPATHY, AXONAL, TYPE 2O; CHARCOT-MARIE-TOOTH DISEASE, AXONAL, AUTOSOMAL DOMINANT, TYPE 2O; Charcot-Marie-Tooth disease, axonal, type 20; Charcot-Marie-Tooth Neuropathy Type 2O. Identifiers: Orphanet 284232, MedGen C3280220, MONDO:0013644, OMIM 614228.
DYNC1H1-related disorder. Also called: DYNC1H1-related condition; DYNC1H1-related disorders. Identifiers: MedGen CN381529.

Allele frequency attached by ClinVar (database versions not stated): gnomAD exomes 0.00011 and 0.00016; TOPMed 0.00012; gnomAD 0.00015 and 0.00017; ExAC 0.00019; ESP Exome Variant Server 0.00031.
gnomAD v4.1: 177 of 1,613,648 alleles (0.011%); highest among the groups gnomAD compares: Middle Eastern, 0.016%; no homozygotes.

Submissions (7):

Labcorp Genetics (formerly Invitae), Labcorp
Classification: Likely benign for Charcot-Marie-Tooth disease axonal type 2O. Last evaluated: 2026-01-05. Review status: criteria provided, single submitter. Criteria: Invitae Variant Classification Sherloc (09022015). Collection method: clinical testing. Allele origin: germline.

CeGaT Center for Human Genetics Tuebingen
Classification: Likely benign. Last evaluated: 2025-11-01. Review status: criteria provided, single submitter. Criteria: CeGaT Center For Human Genetics Tuebingen Variant Classification Criteria Version 2. Collection method: clinical testing. Allele origin: germline. Affected: yes. Observed: 4 variant alleles.
Comment: DYNC1H1: BP4, BP7

PreventionGenetics, part of Exact Sciences
Classification: Likely benign for DYNC1H1-related condition. Last evaluated: 2025-02-13. Review status: criteria provided, single submitter. Criteria: ACMG Guidelines, 2015. Collection method: clinical testing. Allele origin: germline.
Comment: This variant is classified as likely benign based on ACMG/AMP sequence variant interpretation guidelines (Richards et al. 2015 PMID: 25741868, with internal and published modifications).

Blueprint Genetics
Classification: Likely benign. Last evaluated: 2024-10-28. Review status: criteria provided, single submitter. Criteria: ACMG Guidelines, 2015. Collection method: clinical testing. Allele origin: germline.

GeneDx
Classification: Likely benign. Last evaluated: 2020-09-03. Review status: criteria provided, single submitter. Criteria: GeneDx Variant Classification Process June 2021. Collection method: clinical testing. Allele origin: germline. Affected: yes.

Athena Diagnostics
Classification: Benign. Last evaluated: 2018-06-05. Review status: criteria provided, single submitter. Criteria: Athena Diagnostics Criteria. Collection method: clinical testing. Allele origin: germline.

Ambry Genetics
Classification: Likely benign for Inborn genetic diseases. Last evaluated: 2017-11-13. Review status: criteria provided, single submitter. Criteria: Ambry Variant Classification Scheme 2023. Collection method: clinical testing. Allele origin: germline.

NM_001376.5(DYNC1H1):c.2025T>C (p.Asn675=)

Gene: DYNC1H1 (dynein cytoplasmic 1 heavy chain 1; plus strand). Cytogenetic location: 14q32.31.
Variant type: single nucleotide variant.
Coding change: c.2025T>C on transcript NM_001376.5 (MANE Select); coding-DNA position 2025, T replaced by C.
Protein change: p.Asn675=; no amino-acid change (asparagine 675 retained).
Molecular consequence: synonymous variant.
Genome position (GRCh38, 1-based): chr14:101,986,250, T>C. VCF-style: chr14-101986250-T-C. GRCh37 (hg19) VCF-style: chr14-102452587-T-C.
Identifiers: ClinVar variation 511900 (VCV000511900.56), dbSNP rs140154194, ClinGen allele CA7351760.
Genomic context (GRCh38, chr14:101,986,250, plus strand): 5'-CAGGCAGCTGACGGCCTACATGAAGCGGGTGGAAGATGTCCTTGGCAAGGGCTGGGAGAA[T>C]CACGTGGAGGGGCAGAAGCTGAAGCAGGATGGAGACAGCTTCCGCATGAAGCTCAACACG-3'
Protein context (NP_001367.2, residues 665-685): VEDVLGKGWE[Asn675=]HVEGQKLKQD